The following is an entry in ClinVar:

ClinVar aggregate classification (germline): Uncertain significance (1 of 4 stars; one submission).

Allele frequency attached by ClinVar (database versions not stated): ExAC 0.00001; TOPMed 0.00001.
gnomAD v4.1: 8 of 1,614,130 alleles (0.0005%); highest among the groups gnomAD compares: African/African-American, 0.0013%; no homozygotes.

Submission:

Labcorp Genetics (formerly Invitae), Labcorp
Classification: Uncertain significance. Last evaluated: 2022-08-16. Review status: criteria provided, single submitter. Criteria: Invitae Variant Classification Sherloc (09022015). Collection method: clinical testing. Allele origin: germline.
Comment: In summary, the available evidence is currently insufficient to determine the role of this variant in disease. Therefore, it has been classified as a Variant of Uncertain Significance. Algorithms developed to predict the effect of missense changes on protein structure and function are either unavailable or do not agree on the potential impact of this missense change (SIFT: "Not Available"; PolyPhen-2: "Possibly Damaging"; Align-GVGD: "Not Available"). This variant has not been reported in the literature in individuals affected with CDH3-related conditions. This variant is present in population databases (rs779116238, gnomAD 0.003%). This sequence change replaces valine, which is neutral and non-polar, with methionine, which is neutral and non-polar, at codon 617 of the CDH3 protein (p.Val617Met).

NM_001793.6(CDH3):c.1849G>A (p.Val617Met)

Gene: CDH3 (cadherin 3; plus strand). Cytogenetic location: 16q22.1.
Variant type: single nucleotide variant.
Coding change: c.1849G>A on transcript NM_001793.6 (MANE Select); coding-DNA position 1849, G replaced by A.
Protein change: p.Val617Met; replaces valine 617 with methionine.
Molecular consequence: missense variant.
Genome position (GRCh38, 1-based): chr16:68,691,773, G>A. VCF-style: chr16-68691773-G-A. GRCh37 (hg19) VCF-style: chr16-68725676-G-A.
Other names: c.1849G>A, p.Val617Met (NM_001317195.3); c.1684G>A, p.Val562Met (NM_001317196.2); short protein forms V617M, V562M.
Identifiers: ClinVar variation 1952078 (VCV001952078.4), dbSNP rs779116238, ClinGen allele CA8129499.